The following is an entry in ClinVar:

ClinVar aggregate classification (germline): Uncertain significance (1 of 4 stars; one submission).

Submission:

Dasa
Classification: Uncertain significance. Last evaluated: 2025-02-06. Review status: criteria provided, single submitter. Criteria: DASA Assertion Criteria. Collection method: clinical testing. Allele origin: germline.
Comment: NM_001372066.1(TFAP2A):c.195G>C (p.Gln65His) is a missense variant that results in the substitution of glutamine with histidine. This variant is absent from population databases. The currently available literature and clinical evidence are not sufficient to establish a definitive association between this variant and the reported condition. Therefore, this variant is classified as a variant of uncertain significance.

NM_001372066.1(TFAP2A):c.195G>C (p.Gln65His)

Gene: TFAP2A (transcription factor AP-2 alpha; minus strand). Cytogenetic location: 6p24.3.
Variant type: single nucleotide variant.
Coding change: c.195G>C on transcript NM_001372066.1 (MANE Select); coding-DNA position 195, G replaced by C.
Protein change: p.Gln65His; replaces glutamine 65 with histidine.
Molecular consequence: missense variant.
Genome position (GRCh38, 1-based): chr6:10,410,192, C>G on the plus strand (G>C on the coding strand, the complement: TFAP2A is on the minus strand). VCF-style: chr6-10410192-C-G. GRCh37 (hg19) VCF-style: chr6-10410425-C-G.
Other names: c.171G>C, p.Gln57His (NM_001032280.3); c.177G>C, p.Gln59His (NM_001042425.3); short protein forms Q57H, Q59H, Q65H.
Identifiers: ClinVar variation 4884957 (VCV004884957.2).